The following is an entry in ClinVar:

NM_004385.5(VCAN):c.9409C>T (p.Arg3137Cys)

Genes: VCAN (versican; plus strand), VCAN-AS1 (VCAN antisense RNA 1; minus strand). Cytogenetic location: 5q14.3.
Variant type: single nucleotide variant.
Coding change: c.9409C>T on transcript NM_004385.5 (MANE Select); coding-DNA position 9409, C replaced by T.
Protein change: p.Arg3137Cys; replaces arginine 3137 with cysteine.
Molecular consequence: missense variant.
Genome position (GRCh38, 1-based): chr5:83,548,000, C>T. VCF-style: chr5-83548000-C-T. GRCh37 (hg19) VCF-style: chr5-82843819-C-T.
Other names: c.1186C>T, p.Arg396Cys (NM_001126336.3); c.6448C>T, p.Arg2150Cys (NM_001164097.2); c.4147C>T, p.Arg1383Cys (NM_001164098.2); short protein forms R2150C, R1383C, R3137C, R396C.
Identifiers: ClinVar variation 1930075 (VCV001930075.5), dbSNP rs1747300292, ClinGen allele CA360296925.

ClinVar aggregate classification (germline): Uncertain significance (1 of 4 stars; one submission).

Allele frequency attached by ClinVar (database versions not stated): gnomAD exomes below 0.00001; TOPMed below 0.00001.
gnomAD v4.1: 4 of 1,613,908 alleles (0.00025%); highest among the groups gnomAD compares: South Asian, 0.0011%; no homozygotes.

Submission:

Labcorp Genetics (formerly Invitae), Labcorp
Classification: Uncertain significance. Last evaluated: 2022-06-13. Review status: criteria provided, single submitter. Criteria: Invitae Variant Classification Sherloc (09022015). Collection method: clinical testing. Allele origin: germline.
Comment: This variant has not been reported in the literature in individuals affected with VCAN-related conditions. This variant is not present in population databases (gnomAD no frequency). This sequence change replaces arginine, which is basic and polar, with cysteine, which is neutral and slightly polar, at codon 3137 of the VCAN protein (p.Arg3137Cys). Algorithms developed to predict the effect of missense changes on protein structure and function are either unavailable or do not agree on the potential impact of this missense change (SIFT: "Deleterious"; PolyPhen-2: "Probably Damaging"; Align-GVGD: "Class C0"). In summary, the available evidence is currently insufficient to determine the role of this variant in disease. Therefore, it has been classified as a Variant of Uncertain Significance.